The following is an entry in ClinVar:

ClinVar aggregate classification (germline): Uncertain significance (1 of 4 stars; one submission).

Conditions:
Inborn genetic diseases. Identifiers: MedGen C0950123, MeSH D030342.

gnomAD v4.1: 1 of 1,589,354 alleles (0.000063%); highest among the groups gnomAD compares: Non-Finnish European, 0.000085%; no homozygotes.

Submission:

Ambry Genetics
Classification: Uncertain significance for Inborn genetic diseases. Last evaluated: 2023-03-17. Review status: criteria provided, single submitter. Criteria: Ambry Variant Classification Scheme 2023. Collection method: clinical testing. Allele origin: germline.
Comment: The c.10627G>A (p.G3543S) alteration is located in exon 36 (coding exon 36) of the PKD1 gene. This alteration results from a G to A substitution at nucleotide position 10627, causing the glycine (G) at amino acid position 3543 to be replaced by a serine (S). This variant was not reported in population-based cohorts in the Genome Aggregation Database (gnomAD). This amino acid position is not well conserved in available vertebrate species. This alteration is predicted to be tolerated by in silico analysis. Based on insufficient or conflicting evidence, the clinical significance of this alteration remains unclear.

NM_001009944.3(PKD1):c.10630G>A (p.Gly3544Ser)

Genes: PKD1 (polycystin 1, transient receptor potential channel interacting; minus strand), PKD1-AS1 (PKD1 antisense RNA 1; plus strand). Cytogenetic location: 16p13.3.
Variant type: single nucleotide variant.
Coding change: c.10630G>A on transcript NM_001009944.3 (MANE Select); coding-DNA position 10630, G replaced by A.
Protein change: p.Gly3544Ser; replaces glycine 3544 with serine.
Molecular consequence: missense variant.
Genome position (GRCh38, 1-based): chr16:2,094,002, C>T on the plus strand (G>A on the coding strand, the complement: PKD1 is on the minus strand). VCF-style: chr16-2094002-C-T. GRCh37 (hg19) VCF-style: chr16-2144003-C-T.
Other names: c.10627G>A, p.Gly3543Ser (NM_000296.4); short protein forms G3543S, G3544S.
Identifiers: ClinVar variation 2526488 (VCV002526488.2), dbSNP rs2544652344, ClinGen allele CA394341065.